The following is an entry in ClinVar:

ClinVar aggregate classification (germline): Likely pathogenic (1 of 4 stars; one submission).

Conditions:
RTEL1-related disorder. Also called: RTEL1-related condition; RTEL1-related disorders.

Submission:

PreventionGenetics, part of Exact Sciences
Classification: Likely pathogenic for RTEL1-related condition. Last evaluated: 2026-06-01. Review status: criteria provided, single submitter. Criteria: ACMG Guidelines, 2015. Collection method: clinical testing. Allele origin: germline.
Comment: The RTEL1 c.361delC variant is predicted to result in a frameshift and premature protein termination (p.Gln121Argfs*30). To our knowledge, this variant has not been reported in the literature or in a large population database (gnomAD), indicating this variant is rare. Frameshift variants in RTEL1 are expected to be pathogenic. This variant is interpreted as likely pathogenic.

NM_001283009.2(RTEL1):c.361del (p.Gln121fs)

Genes: RTEL1 (regulator of telomere elongation helicase 1; plus strand), RTEL1-TNFRSF6B (RTEL1-TNFRSF6B readthrough (NMD candidate); plus strand). Cytogenetic location: 20q13.33.
Variant type: Deletion.
Coding change: c.361del on transcript NM_001283009.2 (MANE Select); coding-DNA position 361, one base deleted (C; older notation c.361delC).
Protein change: p.Gln121fs; shifts the reading frame from glutamine 121.
Molecular consequence: frameshift variant. On other transcripts: non-coding transcript variant (1), 5 prime UTR variant (1).
Genome position (GRCh38, 1-based): chr20:63,661,909, C deleted. VCF-style (leftmost placement, unchanged base first): chr20-63661908-AC-A. GRCh37 (hg19) VCF-style: chr20-62293261-AC-A.
Other names: c.-309del (NM_001283010.1); c.361del, p.Gln121fs (NM_016434.4, NM_032957.5); short protein forms Q121fs.
Identifiers: ClinVar variation 4995645 (VCV004995645.1).